The following is an entry in ClinVar:

NM_031475.3(ESPN):c.503A>C (p.Gln168Pro)

Gene: ESPN (espin; plus strand). Cytogenetic location: 1p36.31.
Variant type: single nucleotide variant.
Coding change: c.503A>C on transcript NM_031475.3 (MANE Select); coding-DNA position 503, A replaced by C.
Protein change: p.Gln168Pro; replaces glutamine 168 with proline.
Molecular consequence: missense variant.
Genome position (GRCh38, 1-based): chr1:6,440,268, A>C. VCF-style: chr1-6440268-A-C. GRCh37 (hg19) VCF-style: chr1-6500328-A-C.
Other names: c.503A>C, p.Gln168Pro (NM_001367473.1, NM_001367474.1); short protein forms Q168P.
Identifiers: ClinVar variation 4527470 (VCV004527470.1).

ClinVar aggregate classification (germline): Uncertain significance (1 of 4 stars; one submission).

gnomAD v4.1: 1 of 1,549,738 alleles (0.000065%); highest among the groups gnomAD compares: East Asian, 0.0024%; no homozygotes.

Submission:

GeneDx
Classification: Uncertain significance. Last evaluated: 2025-04-30. Review status: criteria provided, single submitter. Criteria: GeneDx Variant Classification Process June 2021. Collection method: clinical testing. Allele origin: germline. Affected: yes.
Comment: Not observed at significant frequency in large population cohorts (gnomAD); In silico analysis supports that this missense variant has a deleterious effect on protein structure/function; Has not been previously published as pathogenic or benign to our knowledge